The following is an entry in ClinVar:

ClinVar aggregate classification (germline): Uncertain significance. Review status: criteria provided, multiple submitters, no conflicts (2 of 4 stars). 3 submissions from 3 submitters: Uncertain significance (3). Last evaluated 2025-07-01.

Conditions:
Inborn genetic diseases. Identifiers: MedGen C0950123, MeSH D030342.

Allele frequency attached by ClinVar (database versions not stated): gnomAD exomes 0.00001; ExAC 0.00002; gnomAD 0.00002; TOPMed 0.00002.
gnomAD v4.1: 39 of 1,613,692 alleles (0.0024%); highest among the groups gnomAD compares: South Asian, 0.0055%; no homozygotes.

Submissions (3):

CeGaT Center for Human Genetics Tuebingen
Classification: Uncertain significance. Last evaluated: 2025-07-01. Review status: criteria provided, single submitter. Criteria: CeGaT Center For Human Genetics Tuebingen Variant Classification Criteria Version 2. Collection method: clinical testing. Allele origin: germline. Affected: yes. Observed: 1 variant allele.
Comment: SPTBN4: PM2

Ambry Genetics
Classification: Uncertain significance for Inborn genetic diseases. Last evaluated: 2024-10-29. Review status: criteria provided, single submitter. Criteria: Ambry Variant Classification Scheme 2023. Collection method: clinical testing. Allele origin: germline.

Genomic Diagnostic Laboratory, Division of Genomic Diagnostics, Children's Hospital of Philadelphia
Classification: Uncertain significance. Last evaluated: 2015-08-10. Review status: criteria provided, single submitter. Criteria: DGD Variant Analysis Guidelines. Collection method: clinical testing. Allele origin: unknown.

NM_020971.3(SPTBN4):c.767G>A (p.Arg256Gln)

Gene: SPTBN4 (spectrin beta, non-erythrocytic 4; plus strand). Cytogenetic location: 19q13.2.
Variant type: single nucleotide variant.
Coding change: c.767G>A on transcript NM_020971.3 (MANE Select); coding-DNA position 767, G replaced by A.
Protein change: p.Arg256Gln; replaces arginine 256 with glutamine.
Molecular consequence: missense variant.
Genome position (GRCh38, 1-based): chr19:40,497,587, G>A. VCF-style: chr19-40497587-G-A. GRCh37 (hg19) VCF-style: chr19-41003494-G-A.
Other names: short protein forms R256Q.
Identifiers: ClinVar variation 252731 (VCV000252731.13), dbSNP rs767215372, ClinGen allele CA9445425.
Genomic context (GRCh38, chr19:40,497,587, plus strand): 5'-ATGCCAACTACAACCTGCAGAGAGCCTTCCGCACAGCTGAGCAGCACCTGGGGCTGGCGC[G>A]GCTGCTGGATCCTGAAGGTGAGCCTCTCGCGGGCCCAGCCCAGACTTCGTCTTGGGGGAC-3'
Protein context (NP_066022.2, residues 246-266): RTAEQHLGLA[Arg256Gln]LLDPEDVNME